The following is an entry in ClinVar:

ClinVar aggregate classification (germline): Uncertain significance. Review status: criteria provided, multiple submitters, no conflicts (2 of 4 stars). 3 submissions from 3 submitters: Uncertain significance (2). 1 of the submissions does not count toward it. Last evaluated 2025-06-30.

Conditions:
Inborn genetic diseases. Identifiers: MedGen C0950123, MeSH D030342.
Fanconi anemia (FA). Also called: Fanconi's anemia. Identifiers: Orphanet 84, MedGen C0015625, MeSH D005199, MONDO:0019391.

Allele frequency attached by ClinVar (database versions not stated): gnomAD exomes below 0.00001; ExAC 0.00001.
gnomAD v4.1: 1 of 1,614,162 alleles (0.000062%); highest among the groups gnomAD compares: Non-Finnish European, 0.000085%; no homozygotes.

Submissions (3):

Ambry Genetics
Classification: Uncertain significance for Inborn genetic diseases. Last evaluated: 2025-06-30. Review status: criteria provided, single submitter. Criteria: Ambry Variant Classification Scheme 2023. Collection method: clinical testing. Allele origin: germline.
Comment: The p.I190T variant (also known as c.569T>C), located in coding exon 6 of the FANCA gene, results from a T to C substitution at nucleotide position 569. The isoleucine at codon 190 is replaced by threonine, an amino acid with similar properties. This amino acid position is conserved. In addition, the in silico prediction for this alteration is inconclusive. Based on the available evidence, the clinical significance of this variant remains unclear.

Labcorp Genetics (formerly Invitae), Labcorp
Classification: Uncertain significance for Fanconi anemia. Last evaluated: 2023-02-20. Review status: criteria provided, single submitter. Criteria: Invitae Variant Classification Sherloc (09022015). Collection method: clinical testing. Allele origin: germline.
Comment: This sequence change replaces isoleucine, which is neutral and non-polar, with threonine, which is neutral and polar, at codon 190 of the FANCA protein (p.Ile190Thr). This variant is present in population databases (rs775046491, gnomAD 0.0009%). This variant has not been reported in the literature in individuals affected with FANCA-related conditions. Advanced modeling of protein sequence and biophysical properties (such as structural, functional, and spatial information, amino acid conservation, physicochemical variation, residue mobility, and thermodynamic stability) performed at Invitae indicates that this missense variant is not expected to disrupt FANCA protein function. In summary, the available evidence is currently insufficient to determine the role of this variant in disease. Therefore, it has been classified as a Variant of Uncertain Significance.

Natera, Inc.
Classification: Uncertain significance for Fanconi anemia. Last evaluated: 2025-02-04. Review status: no assertion criteria provided. Collection method: clinical testing. Allele origin: germline. Not counted in ClinVar's aggregate classification.

NM_000135.4(FANCA):c.569T>C (p.Ile190Thr)

Gene: FANCA (FA complementation group A; minus strand). Cytogenetic location: 16q24.3.
Variant type: single nucleotide variant.
Coding change: c.569T>C on transcript NM_000135.4 (MANE Select); coding-DNA position 569, T replaced by C.
Protein change: p.Ile190Thr; replaces isoleucine 190 with threonine.
Molecular consequence: missense variant.
Genome position (GRCh38, 1-based): chr16:89,808,321, A>G on the plus strand (T>C on the coding strand, the complement: FANCA is on the minus strand). VCF-style: chr16-89808321-A-G. GRCh37 (hg19) VCF-style: chr16-89874729-A-G.
Other names: c.569T>C, p.Ile190Thr (NM_001018112.3, NM_001286167.3); c.473T>C, p.Ile158Thr (NM_001351830.2); c.569T>C (NM_000135.3); short protein forms I158T, I190T.
Identifiers: ClinVar variation 2909060 (VCV002909060.5), dbSNP rs775046491, ClinGen allele CA8252929.